The following is an entry in ClinVar:

ClinVar aggregate classification (germline): Uncertain significance. Review status: criteria provided, multiple submitters, no conflicts (2 of 4 stars). 2 submissions from 2 submitters: Uncertain significance (2). Last evaluated 2023-04-20.

Conditions:
RAI1-related disorder. Also called: RAI1-related condition.

Allele frequency attached by ClinVar (database versions not stated): gnomAD exomes below 0.00001; TOPMed below 0.00001.
gnomAD v4.1: 2 of 1,613,252 alleles (0.00012%); highest among the groups gnomAD compares: Non-Finnish European, 0.00017%; no homozygotes.

Submissions (2):

PreventionGenetics, part of Exact Sciences
Classification: Uncertain significance for RAI1-related condition. Last evaluated: 2023-04-20. Review status: criteria provided, single submitter. Criteria: ACMG Guidelines, 2015. Collection method: clinical testing. Allele origin: germline.
Comment: The RAI1 c.1424A>G variant is predicted to result in the amino acid substitution p.Gln475Arg. To our knowledge, this variant has not been reported in the literature or in a large population database, indicating this variant is rare. At this time, the clinical significance of this variant is uncertain due to the absence of conclusive functional and genetic evidence.

GeneDx
Classification: Uncertain significance. Last evaluated: 2022-10-14. Review status: criteria provided, single submitter. Criteria: GeneDx Variant Classification Process June 2021. Collection method: clinical testing. Allele origin: germline. Affected: yes.
Comment: Not observed at significant frequency in large population cohorts (gnomAD); In silico analysis supports that this missense variant has a deleterious effect on protein structure/function; Has not been previously published as pathogenic or benign to our knowledge

NM_030665.4(RAI1):c.1424A>G (p.Gln475Arg)

Gene: RAI1 (retinoic acid induced 1; plus strand). Cytogenetic location: 17p11.2.
Variant type: single nucleotide variant.
Coding change: c.1424A>G on transcript NM_030665.4 (MANE Select); coding-DNA position 1424, A replaced by G.
Protein change: p.Gln475Arg; replaces glutamine 475 with arginine.
Molecular consequence: missense variant.
Genome position (GRCh38, 1-based): chr17:17,794,372, A>G. VCF-style: chr17-17794372-A-G. GRCh37 (hg19) VCF-style: chr17-17697686-A-G.
Other names: short protein forms Q475R.
Identifiers: ClinVar variation 2499429 (VCV002499429.2), dbSNP rs1290472203, ClinGen allele CA398547795.